The following is an entry in ClinVar:

ClinVar aggregate classification (germline): Pathogenic (1 of 4 stars; one submission).

Conditions:
Maple syrup urine disease type 2 (MSUD2). Also called: Maple syrup urine disease, type II. Identifiers: MedGen C1855371, MONDO:0023693, OMIM 620699.

Submission:

Myriad Genetics, Inc.
Classification: Pathogenic for Maple syrup urine disease type 2. Last evaluated: 2025-10-17. Review status: criteria provided, single submitter. Criteria: Myriad Autosomal Dominant, Autosomal Recessive and X-Linked Classification Criteria (2023). Collection method: clinical testing. Allele origin: unknown.
Comment: NM_001918.3(DBT):c.1344G>A(W448*) is a nonsense variant classified as likely pathogenic in the context of maple syrup urine disease type II. W448* has not been observed in cases with relevant disease. Relevant functional assessments of this variant are not available in the literature. W448* has not been observed in referenced population frequency databases. In summary, NM_001918.3(DBT):c.1344G>A(W448*) is a nonsense variant in a gene where loss of function is a known mechanism of disease and is predicted to disrupt protein function. Please note: this variant was assessed in the context of healthy population screening.

NM_001918.5(DBT):c.1344G>A (p.Trp448Ter)

Gene: DBT (dihydrolipoamide branched chain transacylase E2; minus strand). Cytogenetic location: 1p21.2.
Variant type: single nucleotide variant.
Coding change: c.1344G>A on transcript NM_001918.5 (MANE Select); coding-DNA position 1344, G replaced by A.
Protein change: p.Trp448Ter; replaces tryptophan 448 with a stop codon.
Molecular consequence: nonsense. On other transcripts: non-coding transcript variant (4).
Genome position (GRCh38, 1-based): chr1:100,196,360, C>T on the plus strand (G>A on the coding strand, the complement: DBT is on the minus strand). VCF-style: chr1-100196360-C-T. GRCh37 (hg19) VCF-style: chr1-100661916-C-T.
Other names: c.801G>A, p.Trp267Ter (NM_001399969.1, NM_001399972.1); short protein forms W267*, W448*.
Identifiers: ClinVar variation 5003692 (VCV005003692.1).